The following is an entry in ClinVar:

ClinVar aggregate classification (germline): Pathogenic (1 of 4 stars; one submission).

gnomAD v4.1: 4 of 1,614,162 alleles (0.00025%); highest among the groups gnomAD compares: Non-Finnish European, 0.00034%; no homozygotes.

Submission:

Labcorp Genetics (formerly Invitae), Labcorp
Classification: Pathogenic. Last evaluated: 2024-02-13. Review status: criteria provided, single submitter. Criteria: Invitae Variant Classification Sherloc (09022015). Collection method: clinical testing. Allele origin: germline.
Comment: This sequence change creates a premature translational stop signal (p.Arg826*) in the EIF2AK3 gene. It is expected to result in an absent or disrupted protein product. Loss-of-function variants in EIF2AK3 are known to be pathogenic (PMID: 11997520). This variant is present in population databases (rs755001234, gnomAD 0.002%). This premature translational stop signal has been observed in individual(s) with EIF2AK3-related conditions (PMID: 28843469). For these reasons, this variant has been classified as Pathogenic.

Literature cited by the submitters: PubMed 11997520; PubMed 28843469.

NM_004836.7(EIF2AK3):c.2476C>T (p.Arg826Ter)

Genes: EIF2AK3 (eukaryotic translation initiation factor 2 alpha kinase 3; minus strand), EIF2AK3-AS1 (EIF2AK3 antisense RNA 1; plus strand). Cytogenetic location: 2p11.2.
Variant type: single nucleotide variant.
Coding change: c.2476C>T on transcript NM_004836.7 (MANE Select); coding-DNA position 2476, C replaced by T.
Protein change: p.Arg826Ter; replaces arginine 826 with a stop codon.
Molecular consequence: nonsense. On other transcripts: non-coding transcript variant (1).
Genome position (GRCh38, 1-based): chr2:88,575,007, G>A on the plus strand (C>T on the coding strand, the complement: EIF2AK3 is on the minus strand). VCF-style: chr2-88575007-G-A. GRCh37 (hg19) VCF-style: chr2-88874525-G-A.
Other names: c.2023C>T, p.Arg675Ter (NM_001313915.2); short protein forms R826*, R675*.
Identifiers: ClinVar variation 3720352 (VCV003720352.2).